The following is an entry in ClinVar:

NM_000088.4(COL1A1):c.3000G>C (p.Met1000Ile)

Gene: COL1A1 (collagen type I alpha 1 chain; minus strand). Cytogenetic location: 17q21.33.
Variant type: single nucleotide variant.
Coding change: c.3000G>C on transcript NM_000088.4 (MANE Select); coding-DNA position 3000, G replaced by C.
Protein change: p.Met1000Ile; replaces methionine 1000 with isoleucine.
Molecular consequence: missense variant.
Genome position (GRCh38, 1-based): chr17:50,188,948, C>G on the plus strand (G>C on the coding strand, the complement: COL1A1 is on the minus strand). VCF-style: chr17-50188948-C-G. GRCh37 (hg19) VCF-style: chr17-48266309-C-G.
Other names: short protein forms M1000I.
Identifiers: ClinVar variation 1600749 (VCV001600749.10), dbSNP rs769158560, ClinGen allele CA8644619.

ClinVar aggregate classification (germline): Conflicting classifications of pathogenicity. Review status: criteria provided, conflicting classifications (1 of 4 stars). 2 submissions from 2 submitters: Uncertain significance (1); Benign (1). Last evaluated 2026-01-25.

Conditions:
Osteogenesis imperfecta type I (OI1). Also called: OI, TYPE I; Osteogenesis imperfecta type 1; OSTEOGENESIS IMPERFECTA TARDA; OSTEOGENESIS IMPERFECTA WITH BLUE SCLERAE; Classic Non-deforming Osteogenesis Imperfecta with Blue Sclerae; Lobstein's Disease. Identifiers: Orphanet 216796, Orphanet 666, MedGen C0023931, MONDO:0008146, OMIM 166200. Disease mechanism: loss of function.
Cardiovascular phenotype. Identifiers: MedGen CN230736.

Allele frequency attached by ClinVar (database versions not stated): gnomAD 0.00002 and 0.00003; gnomAD exomes 0.00009; ExAC 0.00011.

Submissions (2):

Labcorp Genetics (formerly Invitae), Labcorp
Classification: Benign for Osteogenesis imperfecta type I. Last evaluated: 2026-01-25. Review status: criteria provided, single submitter. Criteria: Invitae Variant Classification Sherloc (09022015). Collection method: clinical testing. Allele origin: germline.

Ambry Genetics
Classification: Uncertain significance for Cardiovascular phenotype. Last evaluated: 2021-07-28. Review status: criteria provided, single submitter. Criteria: Ambry Variant Classification Scheme 2023. Collection method: clinical testing. Allele origin: germline.
Comment: The p.M1000I variant (also known as c.3000G>C), located in coding exon 41 of the COL1A1 gene, results from a G to C substitution at nucleotide position 3000. The methionine at codon 1000 is replaced by isoleucine, an amino acid with highly similar properties. This amino acid position is not well conserved in available vertebrate species. In addition, the in silico prediction for this alteration is inconclusive. Since supporting evidence is limited at this time, the clinical significance of this alteration remains unclear.